The following is an entry in ClinVar:

ClinVar aggregate classification (germline): Likely pathogenic (1 of 4 stars; one submission).

Conditions:
Muscular dystrophy-dystroglycanopathy (congenital with brain and eye anomalies), type A2. Also called: MUSCULAR DYSTROPHY-DYSTROGLYCANOPATHY (CONGENITAL WITH BRAIN AND EYE ANOMALIES), TYPE A, 2; WALKER-WARBURG SYNDROME OR MUSCLE-EYE-BRAIN DISEASE, POMT2-RELATED. Identifiers: Orphanet 588, Orphanet 899, MedGen C3150411, MONDO:0013154, OMIM 613150.

Submission:

3billion
Classification: Likely pathogenic for Muscular dystrophy-dystroglycanopathy (congenital with brain and eye anomalies), type A2. Last evaluated: 2022-05-22. Review status: criteria provided, single submitter. Criteria: ACMG Guidelines, 2015. Collection method: clinical testing. Allele origin: germline. Affected: yes. Observed: 1 heterozygote.
Comment: The variant is not observed in the gnomAD v2.1.1 dataset. Frameshift: predicted to result in a loss or disruption of normal protein function through nonsense-mediated decay (NMD) or protein truncation. Multiple pathogenic variants are reported downstream of the variant. Therefore, this variant is classified as likely pathogenic according to the recommendation of ACMG/AMP guideline.

NM_013382.7(POMT2):c.1706_1712del (p.His569fs)

Gene: POMT2 (protein O-mannosyltransferase 2; minus strand). Cytogenetic location: 14q24.3.
Variant type: Deletion.
Coding change: c.1706_1712del on transcript NM_013382.7 (MANE Select); coding-DNA positions 1706 to 1712, 7 bases deleted (ACTGGCC; older notation c.1706_1712delACTGGCC).
Protein change: p.His569fs; shifts the reading frame from histidine 569.
Molecular consequence: frameshift variant.
Genome position (GRCh38, 1-based): chr14:77,280,405-77,280,411, GGCCAGT deleted on the plus strand (ACTGGCC on the coding strand, the reverse complement: POMT2 is on the minus strand); deleting any 7 consecutive bases within chr14:77,280,405-77,280,412 gives the same sequence; the c. name uses the placement nearest the transcript's 3' end. VCF-style (leftmost placement, unchanged base first): chr14-77280404-AGGCCAGT-A. GRCh37 (hg19) VCF-style: chr14-77746747-AGGCCAGT-A.
Other names: short protein forms H569fs.
Identifiers: ClinVar variation 1687487 (VCV001687487.1), dbSNP rs2140169285, ClinGen allele CA2573150430.